The following is an entry in ClinVar:

NM_000059.4(BRCA2):c.7806-2A>T

Gene: BRCA2 (BRCA2 DNA repair associated; plus strand). Cytogenetic location: 13q13.1.
Variant type: single nucleotide variant.
Coding change: c.7806-2A>T on transcript NM_000059.4 (MANE Select); the canonical splice acceptor site of the intron before coding-DNA position 7806, A replaced by T.
Molecular consequence: splice acceptor variant.
Genome position (GRCh38, 1-based): chr13:32,362,521, A>T. VCF-style: chr13-32362521-A-T. GRCh37 (hg19) VCF-style: chr13-32936658-A-T.
Other names: c.7806-2A>T (NM_001406720.1); c.7710-2A>T (NM_001406719.1); c.2874-2A>T (NM_001406721.1); c.1389-2A>T (NM_001406722.1).
Identifiers: ClinVar variation 267686 (VCV000267686.7), dbSNP rs81002836, ClinGen allele CA10602542.
Genomic context (GRCh38, chr13:32,362,521, plus strand): 5'-TTGTTGAATTCAGTATCATCCTATGTGGTTTTTATGATAATATTCTACTTTTATTTGTTC[A>T]GGGCTCTGTGTGACACTCCAGGTGTGGATCCAAAGCTTATTTCTAGAATTTGGGTTTATA-3'

ClinVar aggregate classification (germline): Pathogenic/Likely pathogenic. Review status: criteria provided, multiple submitters, no conflicts (2 of 4 stars). 3 submissions from 3 submitters: Pathogenic (2); Likely pathogenic (1). Last evaluated 2026-07-30.

Conditions:
Breast-ovarian cancer, familial, susceptibility to, 2 (BROVCA2). Also called: BRCA2 Hereditary Breast and Ovarian Cancer. Identifiers: Orphanet 145, MedGen C2675520, MONDO:0012933, OMIM 612555. Disease mechanism: loss of function.
Familial cancer of breast. Also called: BREAST CANCER, FAMILIAL; hereditary breast carcinoma; Hereditary breast cancer. Identifiers: Orphanet 227535, MedGen C0346153, MONDO:0016419, OMIM 114480. Disease mechanism: loss of function.
Hereditary cancer-predisposing syndrome. Also called: Hereditary Cancer Syndrome; Tumor predisposition; Hereditary neoplastic syndrome; Neoplastic Syndromes, Hereditary. Identifiers: Orphanet 140162, MedGen C0027672, MeSH D009386, MONDO:0015356.

Submissions (3):

Ambry Genetics
Classification: Pathogenic for Hereditary cancer-predisposing syndrome. Last evaluated: 2026-07-30. Review status: criteria provided, single submitter. Criteria: Ambry Variant Classification Scheme 2023. Collection method: clinical testing. Allele origin: germline.
Comment: The c.7806-2A>T intronic variant results from an A to T substitution two nucleotides upstream from coding exon 16 in the BRCA2 gene. Two saturation genome editing-based studies, including a haploid cell-survival assay and a humanized mouse embryonic stem cell line assay of drug response and survival, demonstrate that this nucleotide substitution is non-functional (Huang H et al. Nature, 2025 Feb;638:528-537; Sahu S et al. Nature, 2025 Feb;638:538-545). This variant is considered to be rare based on population cohorts in the Genome Aggregation Database (gnomAD). This nucleotide position is highly conserved in available vertebrate species. In silico splice site analysis predicts that this alteration will weaken the native splice acceptor site and will result in the creation or strengthening of a novel splice acceptor site; however, direct evidence is insufficient at this time (Ambry internal data). Variants that disrupt the canonical splice site are expected to cause aberrant splicing, resulting in an abnormal protein or a transcript that is subject to nonsense-mediated mRNA decay. As such, this variant is classified as a disease-causing mutation.

GeneKor MSA
Classification: Likely pathogenic for Hereditary Breast Carcinoma. Last evaluated: 2020-01-01. Review status: criteria provided, single submitter. Criteria: ACMG Guidelines, 2015. Collection method: clinical testing. Allele origin: germline. Affected: yes.
Comment: This sequence change occurs 2 nucleotides before exon 17 of the BRCA2 gene. This position is highly conserved in the human and other genomes and is crucial in mRNA processing. This variant is expected to disrupt RNA splicing and likely results in an absent or disrupted protein product. Truncating variants in BRCA2 are known to be pathogenic (PMID: 20104584). Also, donor and acceptor splice site variants as usual lead to a loss of protein function (PMID: 16199547). This variant has been described in the international literature in individuals undergoing panel testing for hereditary syndrome (PMID: 31159747). The mutation database ClinVar contains entries for this variant (Variation ID:267686).

Consortium of Investigators of Modifiers of BRCA1/2 (CIMBA), c/o University of Cambridge
Classification: Pathogenic for Breast-ovarian cancer, familial, susceptibility to, 2. Last evaluated: 2015-10-02. Review status: criteria provided, single submitter. Criteria: CIMBA Mutation Classification guidelines May 2016. Collection method: clinical testing. Allele origin: germline.

Literature cited by the submitters: PubMed 39779848 (cited by Ambry Genetics); PubMed 39779857 (cited by Ambry Genetics).